The following is an entry in ClinVar:

ClinVar aggregate classification (germline): Uncertain significance. Review status: criteria provided, single submitter (1 of 4 stars). 2 submissions from 2 submitters: Uncertain significance (1). 1 of the submissions does not count toward it. Last evaluated 2024-05-01.

Conditions:
Pulmonary fibrosis and/or bone marrow failure, Telomere-related, 3. Also called: PULMONARY FIBROSIS AND/OR BONE MARROW FAILURE SYNDROME, TELOMERE-RELATED, 3. Identifiers: Orphanet 2032, MedGen C4225346, MONDO:0014613, OMIM 616373.
Dyskeratosis congenita, autosomal recessive 5 (DKCB5). Identifiers: MedGen C3554656, MONDO:0014076, OMIM 615190.
Dyskeratosis congenita. Identifiers: Orphanet 1775, MedGen C0265965, MONDO:0015780.

Submissions (2):

Labcorp Genetics (formerly Invitae), Labcorp
Classification: Uncertain significance for Dyskeratosis congenita, autosomal recessive 5; Pulmonary fibrosis and/or bone marrow failure, Telomere-related, 3. Last evaluated: 2024-05-01. Review status: criteria provided, single submitter. Criteria: Invitae Variant Classification Sherloc (09022015). Collection method: clinical testing. Allele origin: germline.
Comment: This sequence change replaces proline, which is neutral and non-polar, with serine, which is neutral and polar, at codon 306 of the RTEL1 protein (p.Pro306Ser). This variant is not present in population databases (gnomAD no frequency). This variant has not been reported in the literature in individuals affected with RTEL1-related conditions. Algorithms developed to predict the effect of missense changes on protein structure and function output the following: SIFT: "Not Available"; PolyPhen-2: "Benign"; Align-GVGD: "Not Available". The serine amino acid residue is found in multiple mammalian species, which suggests that this missense change does not adversely affect protein function. In summary, the available evidence is currently insufficient to determine the role of this variant in disease. Therefore, it has been classified as a Variant of Uncertain Significance.

Natera, Inc.
Classification: Uncertain significance for Dyskeratosis congenita. Last evaluated: 2025-03-29. Review status: no assertion criteria provided. Collection method: clinical testing. Allele origin: germline. Not counted in ClinVar's aggregate classification.

NM_001283009.2(RTEL1):c.916C>T (p.Pro306Ser)

Genes: RTEL1-TNFRSF6B (RTEL1-TNFRSF6B readthrough (NMD candidate); plus strand), RTEL1 (regulator of telomere elongation helicase 1; plus strand). Cytogenetic location: 20q13.33.
Variant type: single nucleotide variant.
Coding change: c.916C>T on transcript NM_001283009.2 (MANE Select); coding-DNA position 916, C replaced by T.
Protein change: p.Pro306Ser; replaces proline 306 with serine.
Molecular consequence: missense variant. On other transcripts: non-coding transcript variant (1).
Genome position (GRCh38, 1-based): chr20:63,674,090, C>T. VCF-style: chr20-63674090-C-T. GRCh37 (hg19) VCF-style: chr20-62305443-C-T.
Other names: c.988C>T (NM_032957.4); c.247C>T, p.Pro83Ser (NM_001283010.1); c.916C>T, p.Pro306Ser (NM_016434.4); c.988C>T, p.Pro330Ser (NM_032957.5); short protein forms P306S, P330S, P83S.
Identifiers: ClinVar variation 3756147 (VCV003756147.3).
Genomic context (GRCh38, chr20:63,674,090, plus strand): 5'-CAGACCAAGGCAGCGCAGCAGGGTGAGCCCCACCCGGAGTTCAGCGCGGACTCCCCCAGC[C>T]CAGGTGCGTTCATAGCCAGACTGCTTGGTCCTGAGGCCTGCGCTGCTGCAGGGTGAGCCC-3'
Protein context (NP_001269938.1, residues 296-316): HPEFSADSPS[Pro306Ser]GLNMELEDIA